The following is an entry in ClinVar:

ClinVar aggregate classification (germline): Uncertain significance (1 of 4 stars; one submission).

Allele frequency attached by ClinVar (database versions not stated): ESP Exome Variant Server 0.00015.
gnomAD v4.1: 12 of 1,613,938 alleles (0.00074%); highest among the groups gnomAD compares: Middle Eastern, 0.016%; no homozygotes.

Submission:

Labcorp Genetics (formerly Invitae), Labcorp
Classification: Uncertain significance. Last evaluated: 2024-11-06. Review status: criteria provided, single submitter. Criteria: Invitae Variant Classification Sherloc (09022015). Collection method: clinical testing. Allele origin: germline.
Comment: This sequence change replaces arginine, which is basic and polar, with histidine, which is basic and polar, at codon 4124 of the HMCN1 protein (p.Arg4124His). This variant is present in population databases (rs142686632, gnomAD 0.007%). This variant has not been reported in the literature in individuals affected with HMCN1-related conditions. ClinVar contains an entry for this variant (Variation ID: 1932447). An algorithm developed to predict the effect of missense changes on protein structure and function (PolyPhen-2) suggests that this variant is likely to be disruptive. In summary, the available evidence is currently insufficient to determine the role of this variant in disease. Therefore, it has been classified as a Variant of Uncertain Significance.

NM_031935.3(HMCN1):c.12371G>A (p.Arg4124His)

Gene: HMCN1 (hemicentin 1; plus strand). Cytogenetic location: 1q31.1.
Variant type: single nucleotide variant.
Coding change: c.12371G>A on transcript NM_031935.3 (MANE Select); coding-DNA position 12371, G replaced by A.
Protein change: p.Arg4124His; replaces arginine 4124 with histidine.
Molecular consequence: missense variant.
Genome position (GRCh38, 1-based): chr1:186,123,092, G>A. VCF-style: chr1-186123092-G-A. GRCh37 (hg19) VCF-style: chr1-186092224-G-A.
Other names: short protein forms R4124H.
Identifiers: ClinVar variation 1932447 (VCV001932447.5), dbSNP rs142686632, ClinGen allele CA1294344.